The following is an entry in ClinVar:

ClinVar aggregate classification (germline): Uncertain significance (1 of 4 stars; one submission).

Conditions:
Kabuki syndrome. Also called: Kabuki make-up syndrome; NIIKAWA-KUROKI SYNDROME. Identifiers: Orphanet 2322, MedGen C0796004, MONDO:0016512.

Submission:

Labcorp Genetics (formerly Invitae), Labcorp
Classification: Uncertain significance for Kabuki syndrome. Last evaluated: 2021-11-11. Review status: criteria provided, single submitter. Criteria: Invitae Variant Classification Sherloc (09022015). Collection method: clinical testing. Allele origin: germline.
Comment: In summary, the available evidence is currently insufficient to determine the role of this variant in disease. Therefore, it has been classified as a Variant of Uncertain Significance. Advanced modeling of protein sequence and biophysical properties (such as structural, functional, and spatial information, amino acid conservation, physicochemical variation, residue mobility, and thermodynamic stability) performed at Invitae indicates that this missense variant is expected to disrupt KMT2D protein function. This variant has not been reported in the literature in individuals affected with KMT2D-related conditions. This variant is not present in population databases (gnomAD no frequency). This sequence change replaces proline, which is neutral and non-polar, with arginine, which is basic and polar, at codon 1459 of the KMT2D protein (p.Pro1459Arg).

NM_003482.4(KMT2D):c.4376C>G (p.Pro1459Arg)

Gene: KMT2D (lysine methyltransferase 2D; minus strand). Cytogenetic location: 12q13.12.
Variant type: single nucleotide variant.
Coding change: c.4376C>G on transcript NM_003482.4 (MANE Select); coding-DNA position 4376, C replaced by G.
Protein change: p.Pro1459Arg; replaces proline 1459 with arginine.
Molecular consequence: missense variant.
Genome position (GRCh38, 1-based): chr12:49,046,651, G>C on the plus strand (C>G on the coding strand, the complement: KMT2D is on the minus strand). VCF-style: chr12-49046651-G-C. GRCh37 (hg19) VCF-style: chr12-49440434-G-C.
Other names: short protein forms P1459R.
Identifiers: ClinVar variation 1392619 (VCV001392619.6), dbSNP rs2120610344, ClinGen allele CA384646770.
Genomic context (GRCh38, chr12:49,046,651, plus strand): 5'-AGATCCCAGTCTCCTTACCACTTGCACTTCCAGCCGCCCTTGGGGACGGTGAGCAGTGGG[G>C]GGTCCAGGCAGTATGTGTGGTAGCTAATATCACAGTCATCACAGAGCAGCAGGCGTGAGG-3'
Protein context (NP_003473.3, residues 1449-1469): DISYHTYCLD[Pro1459Arg]PLLTVPKGGW